The following is an entry in ClinVar:

ClinVar aggregate classification (germline): Likely benign. Review status: criteria provided, multiple submitters, no conflicts (2 of 4 stars). 4 submissions from 4 submitters: Likely benign (4). Last evaluated 2025-12-22.

Allele frequency attached by ClinVar (database versions not stated): ExAC 0.00007; TOPMed 0.00010; gnomAD exomes 0.00011 and 0.00019; ESP Exome Variant Server 0.00015; gnomAD 0.00019 and 0.00020.
gnomAD v4.1: 297 of 1,614,058 alleles (0.018%); highest among the groups gnomAD compares: Non-Finnish European, 0.023%; no homozygotes.

Submissions (4):

Labcorp Genetics (formerly Invitae), Labcorp
Classification: Likely benign. Last evaluated: 2025-12-22. Review status: criteria provided, single submitter. Criteria: Invitae Variant Classification Sherloc (09022015). Collection method: clinical testing. Allele origin: germline.

Blueprint Genetics
Classification: Likely benign. Last evaluated: 2024-08-08. Review status: criteria provided, single submitter. Criteria: ACMG Guidelines, 2015. Collection method: clinical testing. Allele origin: germline.

CeGaT Center for Human Genetics Tuebingen
Classification: Likely benign. Last evaluated: 2024-06-01. Review status: criteria provided, single submitter. Criteria: CeGaT Center For Human Genetics Tuebingen Variant Classification Criteria Version 2. Collection method: clinical testing. Allele origin: germline. Affected: yes. Observed: 2 variant alleles.
Comment: NR2F1: BP4, BP7

GeneDx
Classification: Likely benign. Last evaluated: 2021-04-16. Review status: criteria provided, single submitter. Criteria: GeneDx Variant Classification Process June 2021. Collection method: clinical testing. Allele origin: germline. Affected: yes.

NM_005654.6(NR2F1):c.708C>T (p.Asn236=)

Gene: NR2F1 (nuclear receptor subfamily 2 group F member 1; plus strand). Cytogenetic location: 5q15.
Variant type: single nucleotide variant.
Coding change: c.708C>T on transcript NM_005654.6 (MANE Select); coding-DNA position 708, C replaced by T.
Protein change: p.Asn236=; no amino-acid change (asparagine 236 retained).
Molecular consequence: synonymous variant.
Genome position (GRCh38, 1-based): chr5:93,588,161, C>T. VCF-style: chr5-93588161-C-T. GRCh37 (hg19) VCF-style: chr5-92923867-C-T.
Identifiers: ClinVar variation 512494 (VCV000512494.34), dbSNP rs372227484, ClinGen allele CA3343170.